The following is an entry in ClinVar:

NM_001199799.2(ILDR1):c.967G>A (p.Glu323Lys)

Gene: ILDR1 (immunoglobulin like domain containing receptor 1; minus strand). Cytogenetic location: 3q13.33.
Variant type: single nucleotide variant.
Coding change: c.967G>A on transcript NM_001199799.2 (MANE Select); coding-DNA position 967, G replaced by A.
Protein change: p.Glu323Lys; replaces glutamic acid 323 with lysine.
Molecular consequence: missense variant.
Genome position (GRCh38, 1-based): chr3:121,993,782, C>T on the plus strand (G>A on the coding strand, the complement: ILDR1 is on the minus strand). VCF-style: chr3-121993782-C-T. GRCh37 (hg19) VCF-style: chr3-121712629-C-T.
Other names: c.700G>A, p.Glu234Lys (NM_001199800.2); c.835G>A, p.Glu279Lys (NM_175924.4); short protein forms E234K, E279K, E323K.
Identifiers: ClinVar variation 1936923 (VCV001936923.5), dbSNP rs1428349007, ClinGen allele CA354144183.

ClinVar aggregate classification (germline): Uncertain significance (1 of 4 stars; one submission).

Allele frequency attached by ClinVar (database versions not stated): TOPMed below 0.00001; gnomAD exomes 0.00001.
gnomAD v4.1: 11 of 1,614,136 alleles (0.00068%); highest among the groups gnomAD compares: African/African-American, 0.004%; no homozygotes.

Submission:

Labcorp Genetics (formerly Invitae), Labcorp
Classification: Uncertain significance. Last evaluated: 2022-10-13. Review status: criteria provided, single submitter. Criteria: Invitae Variant Classification Sherloc (09022015). Collection method: clinical testing. Allele origin: germline.
Comment: Algorithms developed to predict the effect of missense changes on protein structure and function are either unavailable or do not agree on the potential impact of this missense change (SIFT: "Deleterious"; PolyPhen-2: "Probably Damaging"; Align-GVGD: "Class C0"). In summary, the available evidence is currently insufficient to determine the role of this variant in disease. Therefore, it has been classified as a Variant of Uncertain Significance. This sequence change replaces glutamic acid, which is acidic and polar, with lysine, which is basic and polar, at codon 323 of the ILDR1 protein (p.Glu323Lys). This variant is present in population databases (no rsID available, gnomAD 0.006%). This variant has not been reported in the literature in individuals affected with ILDR1-related conditions.